The following is an entry in ClinVar:

ClinVar aggregate classification (germline): Uncertain significance (1 of 4 stars; one submission).

Conditions:
Alpha-methylacyl-CoA racemase deficiency (AMACRD). Also called: AMACR deficiency. Identifiers: Orphanet 79095, MedGen C3280428, MONDO:0013681, OMIM 614307. Disease mechanism: loss of function.

gnomAD v4.1: 1 of 1,614,196 alleles (0.000062%); no homozygotes.

Submission:

Labcorp Genetics (formerly Invitae), Labcorp
Classification: Uncertain significance for Alpha-methylacyl-CoA racemase deficiency. Last evaluated: 2024-02-17. Review status: criteria provided, single submitter. Criteria: Invitae Variant Classification Sherloc (09022015). Collection method: clinical testing. Allele origin: germline.
Comment: This sequence change replaces leucine, which is neutral and non-polar, with valine, which is neutral and non-polar, at codon 95 of the AMACR protein (p.Leu95Val). This variant is not present in population databases (gnomAD no frequency). This variant has not been reported in the literature in individuals affected with AMACR-related conditions. ClinVar contains an entry for this variant (Variation ID: 1493619). Advanced modeling of protein sequence and biophysical properties (such as structural, functional, and spatial information, amino acid conservation, physicochemical variation, residue mobility, and thermodynamic stability) performed at Invitae indicates that this missense variant is not expected to disrupt AMACR protein function with a negative predictive value of 80%. In summary, the available evidence is currently insufficient to determine the role of this variant in disease. Therefore, it has been classified as a Variant of Uncertain Significance.

NM_014324.6(AMACR):c.283C>G (p.Leu95Val)

Genes: AMACR (alpha-methylacyl-CoA racemase; minus strand), C1QTNF3-AMACR (C1QTNF3-AMACR readthrough (NMD candidate); minus strand). Cytogenetic location: 5p13.2.
Variant type: single nucleotide variant.
Coding change: c.283C>G on transcript NM_014324.6 (MANE Select); coding-DNA position 283, C replaced by G.
Protein change: p.Leu95Val; replaces leucine 95 with valine.
Molecular consequence: missense variant. On other transcripts: non-coding transcript variant (1).
Genome position (GRCh38, 1-based): chr5:34,005,864, G>C on the plus strand (C>G on the coding strand, the complement: AMACR is on the minus strand). VCF-style: chr5-34005864-G-C. GRCh37 (hg19) VCF-style: chr5-34005969-G-C.
Other names: c.283C>G, p.Leu95Val (NM_001167595.2, NM_203382.3); short protein forms L95V.
Identifiers: ClinVar variation 1493619 (VCV001493619.8), dbSNP rs2112072698, ClinGen allele CA359384016.
Genomic context (GRCh38, chr5:34,005,864, plus strand): 5'-TTCCTGACTGGCCAAATCCACTCAGCCTGGCATAAATAAGCCTTGGATTTTCCCGCTGCA[G>C]AATCTCTGGGCCCAGCTGGAGTTTCTCCATGACACCTTAAGAGAAAAGTAACGATCTTCT-3'
Protein context (NP_055139.4, residues 85-105): MEKLQLGPEI[Leu95Val]QRENPRLIYA